The following is an entry in ClinVar:

NM_004787.4(SLIT2):c.88G>A (p.Ala30Thr)

Gene: SLIT2 (slit guidance ligand 2; plus strand). Cytogenetic location: 4p15.31.
Variant type: single nucleotide variant.
Coding change: c.88G>A on transcript NM_004787.4 (MANE Select); coding-DNA position 88, G replaced by A.
Protein change: p.Ala30Thr; replaces alanine 30 with threonine.
Molecular consequence: missense variant.
Genome position (GRCh38, 1-based): chr4:20,253,903, G>A. VCF-style: chr4-20253903-G-A. GRCh37 (hg19) VCF-style: chr4-20255526-G-A.
Other names: c.88G>A, p.Ala30Thr (NM_001289135.3, NM_001289136.3); short protein forms A30T.
Identifiers: ClinVar variation 1970008 (VCV001970008.5), dbSNP rs2474590806, ClinGen allele CA356505770.
Genomic context (GRCh38, chr4:20,253,903, plus strand): 5'-TCCCTGTCGCTGGGGTTAGTGCTGGCGATCCTGAACAAGGTGGCACCGCAGGCGTGCCCG[G>A]CGCAGTGCTCTTGCTCGGGCAGCACAGTGGACTGTCACGGGCTGGCGCTGCGCAGCGTGC-3'
Protein context (NP_004778.1, residues 20-40): LNKVAPQACP[Ala30Thr]QCSCSGSTVD

ClinVar aggregate classification (germline): Uncertain significance (1 of 4 stars; one submission).

Submission:

Labcorp Genetics (formerly Invitae), Labcorp
Classification: Uncertain significance. Last evaluated: 2023-05-22. Review status: criteria provided, single submitter. Criteria: Invitae Variant Classification Sherloc (09022015). Collection method: clinical testing. Allele origin: germline.
Comment: This sequence change replaces alanine, which is neutral and non-polar, with threonine, which is neutral and polar, at codon 30 of the SLIT2 protein (p.Ala30Thr). This variant is not present in population databases (gnomAD no frequency). This variant has not been reported in the literature in individuals affected with SLIT2-related conditions. ClinVar contains an entry for this variant (Variation ID: 1970008). An algorithm developed to predict the effect of missense changes on protein structure and function (PolyPhen-2) suggests that this variant is likely to be tolerated. In summary, the available evidence is currently insufficient to determine the role of this variant in disease. Therefore, it has been classified as a Variant of Uncertain Significance.